The following is an entry in ClinVar:

ClinVar aggregate classification (germline): Uncertain significance (1 of 4 stars; one submission).

Submission:

CeGaT Center for Human Genetics Tuebingen
Classification: Uncertain significance. Last evaluated: 2024-01-01. Review status: criteria provided, single submitter. Criteria: CeGaT Center For Human Genetics Tuebingen Variant Classification Criteria Version 2. Collection method: clinical testing. Allele origin: germline. Affected: yes. Observed: 1 variant allele.
Comment: ARID2: PM2, PP2

NM_152641.4(ARID2):c.5473A>C (p.Lys1825Gln)

Gene: ARID2 (AT-rich interaction domain 2; plus strand). Cytogenetic location: 12q12.
Variant type: single nucleotide variant.
Coding change: c.5473A>C on transcript NM_152641.4 (MANE Select); coding-DNA position 5473, A replaced by C.
Protein change: p.Lys1825Gln; replaces lysine 1825 with glutamine.
Molecular consequence: missense variant.
Genome position (GRCh38, 1-based): chr12:45,905,043, A>C. VCF-style: chr12-45905043-A-C. GRCh37 (hg19) VCF-style: chr12-46298826-A-C.
Other names: short protein forms K1825Q.
Identifiers: ClinVar variation 3026924 (VCV003026924.22), dbSNP rs2547683210, ClinGen allele CA384453312.